The following is an entry in ClinVar:

ClinVar aggregate classification (germline): Uncertain significance (1 of 4 stars; one submission).

gnomAD v4.1: 1 of 1,612,538 alleles (0.000062%); highest among the groups gnomAD compares: Non-Finnish European, 0.000085%; no homozygotes.

Submission:

Women's Health and Genetics/Laboratory Corporation of America, LabCorp
Classification: Uncertain significance. Last evaluated: 2024-09-27. Review status: criteria provided, single submitter. Criteria: LabCorp Variant Classification Summary - May 2015. Collection method: clinical testing. Allele origin: germline.
Comment: Variant summary: KDM6B c.2829G>T (p.Glu943Asp) results in a conservative amino acid change in the encoded protein sequence. Five of five in-silico tools predict a benign effect of the variant on protein function. The variant was absent in 239606 control chromosomes. The available data on variant occurrences in the general population are insufficient to allow any conclusion about variant significance. To our knowledge, no occurrence of c.2829G>T in individuals affected with Neurodevelopmental Disorder With Coarse Facies And Mild Distal Skeletal Abnormalities and no experimental evidence demonstrating its impact on protein function have been reported. No submitters have cited clinical-significance assessments for this variant to ClinVar. Based on the evidence outlined above, the variant was classified as uncertain significance.

NM_001348716.2(KDM6B):c.2829G>T (p.Glu943Asp)

Gene: KDM6B (lysine demethylase 6B; plus strand). Cytogenetic location: 17p13.1.
Variant type: single nucleotide variant.
Coding change: c.2829G>T on transcript NM_001348716.2 (MANE Select); coding-DNA position 2829, G replaced by T.
Protein change: p.Glu943Asp; replaces glutamic acid 943 with aspartic acid.
Molecular consequence: missense variant.
Genome position (GRCh38, 1-based): chr17:7,849,117, G>T. VCF-style: chr17-7849117-G-T. GRCh37 (hg19) VCF-style: chr17-7752435-G-T.
Other names: c.2829G>T, p.Glu943Asp (NM_001080424.2); short protein forms E943D.
Identifiers: ClinVar variation 3375150 (VCV003375150.1).